The following is an entry in ClinVar:

ClinVar aggregate classification (germline): Pathogenic. Review status: criteria provided, multiple submitters, no conflicts (2 of 4 stars). 2 submissions from 2 submitters: Pathogenic (2). Last evaluated 2022-01-26.

Conditions:
Gorlin syndrome. Also called: Nevoid Basal Cell Carcinoma Syndrome; Basal cell nevus syndrome. Identifiers: Orphanet 377, MedGen C0004779, MONDO:0007187.

Submissions (2):

Labcorp Genetics (formerly Invitae), Labcorp
Classification: Pathogenic for Gorlin syndrome. Last evaluated: 2022-01-26. Review status: criteria provided, single submitter. Criteria: Invitae Variant Classification Sherloc (09022015). Collection method: clinical testing. Allele origin: germline.
Comment: For these reasons, this variant has been classified as Pathogenic. ClinVar contains an entry for this variant (Variation ID: 265424). This premature translational stop signal has been observed in individual(s) with clinical features of Gorlin syndrome (PMID: 12925203). This variant is not present in population databases (gnomAD no frequency). This sequence change creates a premature translational stop signal (p.Phe1015Serfs*34) in the PTCH1 gene. It is expected to result in an absent or disrupted protein product. Loss-of-function variants in PTCH1 are known to be pathogenic (PMID: 16301862, 16419085).

GeneDx
Classification: Pathogenic. Last evaluated: 2016-05-23. Review status: criteria provided, single submitter. Criteria: GeneDx Variant Classification (06012015). Collection method: clinical testing. Allele origin: germline. Affected: yes.
Comment: The c.3042delC variant in the PTCH1 gene has been reported in an individual with features suggestive of, but not diagnostic for, Gorlin syndrome (Boutet et al., 2003). This deletion causes a frameshift starting with codon Phenylalanine 1015, changes this amino acid to a Serine residue and creates a premature Stop codon at position 34 of the new reading frame, denoted p.Phe1015SerfsX34. This variant is predicted to cause loss of normal protein function either through protein truncation or nonsense-mediated mRNA decay. Furthermore, the c.3042delC variant was not observed in approximately 6,500 individuals of European and African American ancestry in the NHLBI Exome Sequencing Project, indicating it is not a common benign variant in these populations. Based on currently available evidence, we consider c.3042delC to be pathogenic.

Literature cited by the submitters: PubMed 12925203 (cited by Labcorp Genetics (formerly Invitae), Labcorp); PubMed 16301862 (cited by Labcorp Genetics (formerly Invitae), Labcorp); PubMed 16419085 (cited by Labcorp Genetics (formerly Invitae), Labcorp).

NM_000264.5(PTCH1):c.3042del (p.Phe1015fs)

Gene: PTCH1 (patched 1; minus strand). Cytogenetic location: 9q22.32.
Variant type: Deletion.
Coding change: c.3042del on transcript NM_000264.5 (MANE Select); coding-DNA position 3042, one base deleted (C; older notation c.3042delC).
Protein change: p.Phe1015fs; shifts the reading frame from phenylalanine 1015.
Molecular consequence: frameshift variant. On other transcripts: non-coding transcript variant (1).
Genome position (GRCh38, 1-based): chr9:95,458,139, G deleted on the plus strand (C on the coding strand, the reverse complement: PTCH1 is on the minus strand); the first of 4 consecutive G bases (chr9:95,458,139-95,458,142); deleting any one gives the same sequence. VCF-style (leftmost placement, unchanged base first): chr9-95458138-AG-A. GRCh37 (hg19) VCF-style: chr9-98220420-AG-A.
Other names: c.2844del, p.Phe949fs (NM_001083602.3); c.3039del, p.Phe1014fs (NM_001083603.3); c.2589del, p.Phe864fs (NM_001083604.3, NM_001083605.3, NM_001083606.3 and 1 more transcripts); c.2886del, p.Phe963fs (NM_001354918.2); short protein forms F963fs, F949fs, F1014fs, F864fs, F1015fs.
Identifiers: ClinVar variation 265424 (VCV000265424.11), dbSNP rs886039540, ClinGen allele CA10588477.